The following is an entry in ClinVar:

NM_024685.4(BBS10):c.633dup (p.Glu212Ter)

Gene: BBS10 (Bardet-Biedl syndrome 10; minus strand). Cytogenetic location: 12q21.2.
Variant type: Duplication.
Coding change: c.633dup on transcript NM_024685.4 (MANE Select); coding-DNA position 633, one base duplicated (T; older notation c.633dupT).
Protein change: p.Glu212Ter; replaces glutamic acid 212 with a stop codon.
Molecular consequence: nonsense.
Genome position (GRCh38, 1-based): chr12:76,347,352, A duplicated on the plus strand (T on the coding strand, the reverse complement: BBS10 is on the minus strand); the first of 3 consecutive A bases (chr12:76,347,352-76,347,354); duplicating any one gives the same sequence. VCF-style (leftmost placement, unchanged base first): chr12-76347351-C-CA. GRCh37 (hg19) VCF-style: chr12-76741131-C-CA.
Other names: short protein forms E212*.
Identifiers: ClinVar variation 4081835 (VCV004081835.1).

ClinVar aggregate classification (germline): Pathogenic (1 of 4 stars; one submission).

Conditions:
Bardet-Biedl syndrome 10 (BBS10). Identifiers: Orphanet 110, MedGen C1859568, MONDO:0014438, OMIM 615987.

Submission:

Myriad Genetics, Inc.
Classification: Pathogenic for Bardet-Biedl syndrome 10. Last evaluated: 2025-07-01. Review status: criteria provided, single submitter. Criteria: Myriad Autosomal Dominant, Autosomal Recessive and X-Linked Classification Criteria (2023). Collection method: clinical testing. Allele origin: unknown.
Comment: NM_024685.3(BBS10):c.633dupT(E212*) is a nonsense variant classified as pathogenic in the context of Bardet-Biedl syndrome, BBS10-related. E212* has not been observed in cases with relevant disease. Relevant functional assessments of this variant are not available in the literature. E212* has not been observed in referenced population frequency databases. In summary, NM_024685.3(BBS10):c.633dupT(E212*) is a nonsense variant in a gene where loss of function is a known mechanism of disease and is predicted to disrupt protein function. Please note: this variant was assessed in the context of healthy population screening.